The following is an entry in ClinVar:

NM_006031.6(PCNT):c.9250C>G (p.Leu3084Val)

Gene: PCNT (pericentrin; plus strand). Cytogenetic location: 21q22.3.
Variant type: single nucleotide variant.
Coding change: c.9250C>G on transcript NM_006031.6 (MANE Select); coding-DNA position 9250, C replaced by G.
Protein change: p.Leu3084Val; replaces leucine 3084 with valine.
Molecular consequence: missense variant.
Genome position (GRCh38, 1-based): chr21:46,438,314, C>G. VCF-style: chr21-46438314-C-G. GRCh37 (hg19) VCF-style: chr21-47858227-C-G.
Other names: c.8659C>G, p.Leu2887Val (NM_001315529.2); short protein forms L2887V, L3084V.
Identifiers: ClinVar variation 899001 (VCV000899001.6), dbSNP rs760545245, ClinGen allele CA10081240.
Genomic context (GRCh38, chr21:46,438,314, plus strand): 5'-CAGGAGAAGCTGGAGCTGAGCAGAGCCGTGTCTAAGCTTGAGAAGTTGCTGAAGCACCAT[C>G]TGCAGAAGGGCTGCAGCCCAAGCGTAGGTGTCTGTGCTTAACTCTTACCTGCCTCAGCCT-3'
Protein context (NP_006022.3, residues 3074-3094): SKLEKLLKHH[Leu3084Val]QKGCSPSRSE

ClinVar aggregate classification (germline): Uncertain significance. Review status: criteria provided, multiple submitters, no conflicts (2 of 4 stars). 3 submissions from 3 submitters: Uncertain significance (3). Last evaluated 2026-04-16.

Conditions:
PCNT-related disorder. Also called: PCNT-related condition.
Microcephalic osteodysplastic primordial dwarfism type II (MOPD2). Also called: Microcephalic osteodysplastic primordial dwarfism with tooth abnormalities; MOPD II; OSTEODYSPLASTIC PRIMORDIAL DWARFISM, TYPE II. Identifiers: Orphanet 2637, MedGen C0432246, MONDO:0008872, OMIM 210720.

Allele frequency attached by ClinVar (database versions not stated): ExAC 0.00001; gnomAD 0.00001; gnomAD exomes 0.00001 and 0.00002; TOPMed 0.00002.
gnomAD v4.1: 11 of 1,614,034 alleles (0.00068%); highest among the groups gnomAD compares: Admixed American, 0.0067%; no homozygotes.

Submissions (3):

PreventionGenetics, part of Exact Sciences
Classification: Uncertain significance for PCNT-related condition. Last evaluated: 2026-04-16. Review status: criteria provided, single submitter. Criteria: ACMG Guidelines, 2015. Collection method: clinical testing. Allele origin: germline.
Comment: The PCNT c.9250C>G variant is predicted to result in the amino acid substitution p.Leu3084Val. To our knowledge, this variant has not been reported in the literature. This variant is reported in 0.0085% of alleles in individuals of Latino descent in gnomAD. At this time, the clinical significance of this variant is uncertain due to the absence of conclusive functional and genetic evidence.

Labcorp Genetics (formerly Invitae), Labcorp
Classification: Uncertain significance. Last evaluated: 2025-06-12. Review status: criteria provided, single submitter. Criteria: Invitae Variant Classification Sherloc (09022015). Collection method: clinical testing. Allele origin: germline.
Comment: This sequence change replaces leucine, which is neutral and non-polar, with valine, which is neutral and non-polar, at codon 3084 of the PCNT protein (p.Leu3084Val). This variant is present in population databases (rs760545245, gnomAD 0.009%). This variant has not been reported in the literature in individuals affected with PCNT-related conditions. ClinVar contains an entry for this variant (Variation ID: 899001). An algorithm developed to predict the effect of missense changes on protein structure and function outputs the following: PolyPhen-2: "Possibly Damaging". The valine amino acid residue is found in multiple mammalian species, which suggests that this missense change does not adversely affect protein function. In summary, the available evidence is currently insufficient to determine the role of this variant in disease. Therefore, it has been classified as a Variant of Uncertain Significance.

Illumina Laboratory Services, Illumina
Classification: Uncertain significance for Microcephalic osteodysplastic primordial dwarfism type II. Last evaluated: 2018-01-12. Review status: criteria provided, single submitter. Criteria: ICSL Variant Classification Criteria 13 December 2019. Collection method: clinical testing. Allele origin: germline.